The following is an entry in ClinVar:

NM_001128840.3(CACNA1D):c.5939C>T (p.Ser1980Leu)

Gene: CACNA1D (calcium voltage-gated channel subunit alpha1 D; plus strand). Cytogenetic location: 3p21.1.
Variant type: single nucleotide variant.
Coding change: c.5939C>T on transcript NM_001128840.3 (MANE Select); coding-DNA position 5939, C replaced by T.
Protein change: p.Ser1980Leu; replaces serine 1980 with leucine.
Molecular consequence: missense variant.
Genome position (GRCh38, 1-based): chr3:53,810,045, C>T. VCF-style: chr3-53810045-C-T. GRCh37 (hg19) VCF-style: chr3-53844072-C-T.
Other names: c.5999C>T, p.Ser2000Leu (NM_000720.4); c.5867C>T, p.Ser1956Leu (NM_001128839.3); short protein forms S1956L, S2000L, S1980L.
Identifiers: ClinVar variation 1371675 (VCV001371675.8), dbSNP rs756884300, ClinGen allele CA2455329.
Genomic context (GRCh38, chr3:53,810,045, plus strand): 5'-CAGTTGCCGGCCTAGATTCAAGTAAAGCCCAGAAGTACTCACCGAGTCACTCGACCCGGT[C>T]GTGGGCCACCCCTCCAGCAACCCCTCCCTACCGGGACTGGACACCGTGCTACACCCCCCT-3'
Protein context (NP_001122312.1, residues 1970-1990): QKYSPSHSTR[Ser1980Leu]WATPPATPPY

ClinVar aggregate classification (germline): Uncertain significance (1 of 4 stars; one submission).

Allele frequency attached by ClinVar (database versions not stated): gnomAD 0.00001; gnomAD exomes below 0.00001; ExAC 0.00001.
gnomAD v4.1: 6 of 1,613,854 alleles (0.00037%); highest among the groups gnomAD compares: Middle Eastern, 0.016%; no homozygotes.

Submission:

Labcorp Genetics (formerly Invitae), Labcorp
Classification: Uncertain significance. Last evaluated: 2025-07-13. Review status: criteria provided, single submitter. Criteria: Invitae Variant Classification Sherloc (09022015). Collection method: clinical testing. Allele origin: germline.
Comment: This sequence change replaces serine, which is neutral and polar, with leucine, which is neutral and non-polar, at codon 2000 of the CACNA1D protein (p.Ser2000Leu). This variant is present in population databases (rs756884300, gnomAD 0.003%). This variant has not been reported in the literature in individuals affected with CACNA1D-related conditions. ClinVar contains an entry for this variant (Variation ID: 1371675). An algorithm developed to predict the effect of missense changes on protein structure and function (PolyPhen-2) suggests that this variant is likely to be disruptive. In summary, the available evidence is currently insufficient to determine the role of this variant in disease. Therefore, it has been classified as a Variant of Uncertain Significance.